The following is an entry in ClinVar:

ClinVar aggregate classification (germline): Pathogenic (1 of 4 stars; one submission).

Conditions:
Joubert syndrome. Also called: CEREBELLOPARENCHYMAL DISORDER IV; JOUBERT-BOLTSHAUSER SYNDROME; Familial aplasia of the vermis. Identifiers: Orphanet 475, MedGen C5979921, MONDO:0018772.
Nephronophthisis. Also called: Juvenile Nephronophthisis. Identifiers: Orphanet 655, MedGen C0687120, MONDO:0019005, HP:0000090.
Meckel-Gruber syndrome. Also called: DYSENCEPHALIA SPLANCHNOCYSTICA; GRUBER SYNDROME; Dysencephalia splachnocystica. Identifiers: Orphanet 564, MedGen C0265215, MONDO:0018921.

Submission:

Labcorp Genetics (formerly Invitae), Labcorp
Classification: Pathogenic for Joubert syndrome; Meckel-Gruber syndrome; Nephronophthisis. Last evaluated: 2022-01-21. Review status: criteria provided, single submitter. Criteria: Invitae Variant Classification Sherloc (09022015). Collection method: clinical testing. Allele origin: germline.
Comment: For these reasons, this variant has been classified as Pathogenic. Algorithms developed to predict the effect of sequence changes on RNA splicing suggest that this variant may disrupt the consensus splice site. Disruption of this splice site has been observed in individuals with CEP290-related conditions (PMID: 25445212, 32139166). This variant is not present in population databases (gnomAD no frequency). This sequence change affects a donor splice site in intron 17 of the CEP290 gene. It is expected to disrupt RNA splicing. Variants that disrupt the donor or acceptor splice site typically lead to a loss of protein function (PMID: 16199547), and loss-of-function variants in CEP290 are known to be pathogenic (PMID: 16909394, 17345604, 20690115).

Literature cited by the submitters: PubMed 25445212; PubMed 32139166; PubMed 16199547; PubMed 16909394; PubMed 17345604; PubMed 20690115.

NM_025114.4(CEP290):c.1711+2T>A

Gene: CEP290 (centrosomal protein 290; minus strand). Cytogenetic location: 12q21.32.
Variant type: single nucleotide variant.
Coding change: c.1711+2T>A on transcript NM_025114.4 (MANE Select); the canonical splice donor site of the intron after coding-DNA position 1711, T replaced by A.
Molecular consequence: splice donor variant.
Genome position (GRCh38, 1-based): chr12:88,118,481, A>T on the plus strand (T>A on the coding strand, the complement: CEP290 is on the minus strand). VCF-style: chr12-88118481-A-T. GRCh37 (hg19) VCF-style: chr12-88512258-A-T.
Identifiers: ClinVar variation 2088939 (VCV002088939.4), dbSNP rs2500935910, ClinGen allele CA385978693.